The following is an entry in ClinVar:

NM_000052.7(ATP7A):c.3613G>C (p.Glu1205Gln)

Genes: ATP7A (ATPase copper transporting alpha; plus strand), PGK1 (phosphoglycerate kinase 1; plus strand). Cytogenetic location: Xq21.1.
Variant type: single nucleotide variant.
Coding change: c.3613G>C on transcript NM_000052.7 (MANE Select); coding-DNA position 3613, G replaced by C.
Protein change: p.Glu1205Gln; replaces glutamic acid 1205 with glutamine.
Molecular consequence: missense variant. On other transcripts: non-coding transcript variant (1).
Genome position (GRCh38, 1-based): chrX:78,038,937, G>C. VCF-style: chrX-78038937-G-C. GRCh37 (hg19) VCF-style: chrX-77294435-G-C.
Other names: c.3379G>C, p.Glu1127Gln (NM_001282224.2); short protein forms E1205Q, E1127Q.
Identifiers: ClinVar variation 533688 (VCV000533688.21), dbSNP rs782349186, ClinGen allele CA10459443.
Genomic context (GRCh38, chrX:78,038,937, plus strand): 5'-CGGGAGTGGATGATTAGAAATGGTCTTGTCATTAATAACGATGTAAATGATTTCATGACT[G>C]AACATGAGAGAAAAGGTCGGACTGCTGTATTAGTAGCAGTTGATGGTAAGGTTTTCCATA-3'
Protein context (NP_000043.4, residues 1195-1215): INNDVNDFMT[Glu1205Gln]HERKGRTAVL

ClinVar aggregate classification (germline): Benign/Likely benign. Review status: criteria provided, multiple submitters, no conflicts (2 of 4 stars). 4 submissions from 4 submitters: Benign (1); Likely benign (2). 1 of the submissions does not count toward it. Last evaluated 2026-04-01.

Conditions:
Menkes kinky-hair syndrome (MNK). Also called: Copper transport disease; Menkes Disease; Classic Menkes Disease. Identifiers: Orphanet 565, MedGen C0022716, MONDO:0010651, OMIM 309400.
Cutis laxa, X-linked (OHS). Also called: EDS IX; Occipital horn syndrome. Identifiers: Orphanet 198, MedGen C0268353, MONDO:0010572, OMIM 304150.
X-linked distal spinal muscular atrophy type 3. Also called: ATP7A-Related Distal Motor Neuropathy; SPINAL MUSCULAR ATROPHY, DISTAL, X-LINKED RECESSIVE; NEURONOPATHY, DISTAL HEREDITARY MOTOR, X-LINKED; NEUROPATHY, DISTAL HEREDITARY MOTOR, X-LINKED. Identifiers: Orphanet 139557, MedGen C1845359, MONDO:0010338, OMIM 300489.
ATP7A-related disorder. Also called: ATP7A-related condition.
Inborn genetic diseases. Identifiers: MedGen C0950123, MeSH D030342.

Allele frequency attached by ClinVar (database versions not stated): ExAC 0.00003; gnomAD exomes 0.00013 and 0.00021; gnomAD 0.00024 and 0.00025; TOPMed 0.00037.
gnomAD v4.1: 83 of 1,209,724 alleles (0.0069%); highest among the groups gnomAD compares: Admixed American, 0.18%; no homozygotes.

Submissions (4):

CeGaT Center for Human Genetics Tuebingen
Classification: Likely benign. Last evaluated: 2026-04-01. Review status: criteria provided, single submitter. Criteria: CeGaT Center For Human Genetics Tuebingen Variant Classification Criteria Version 2. Collection method: clinical testing. Allele origin: germline. Affected: yes. Observed: 3 variant alleles.
Comment: PGK1: BS2; ATP7A: BS2

Labcorp Genetics (formerly Invitae), Labcorp
Classification: Likely benign for X-linked distal spinal muscular atrophy type 3; Cutis laxa, X-linked; Menkes kinky-hair syndrome. Last evaluated: 2026-02-03. Review status: criteria provided, single submitter. Criteria: Invitae Variant Classification Sherloc (09022015). Collection method: clinical testing. Allele origin: germline.

Ambry Genetics
Classification: Benign for Inborn genetic diseases. Last evaluated: 2017-02-10. Review status: criteria provided, single submitter. Criteria: Ambry Variant Classification Scheme 2023. Collection method: clinical testing. Allele origin: germline.

PreventionGenetics, part of Exact Sciences
Classification: Likely benign for ATP7A-related condition. Last evaluated: 2024-09-05. Review status: no assertion criteria provided. Collection method: clinical testing. Allele origin: germline. Not counted in ClinVar's aggregate classification.
Comment: This variant is classified as likely benign based on ACMG/AMP sequence variant interpretation guidelines (Richards et al. 2015 PMID: 25741868, with internal and published modifications).